The following is an entry in ClinVar:

NM_000426.4(LAMA2):c.1067A>G (p.Asp356Gly)

Gene: LAMA2 (laminin subunit alpha 2; plus strand). Cytogenetic location: 6q22.33.
Variant type: single nucleotide variant.
Coding change: c.1067A>G on transcript NM_000426.4 (MANE Select); coding-DNA position 1067, A replaced by G.
Protein change: p.Asp356Gly; replaces aspartic acid 356 with glycine.
Molecular consequence: missense variant.
Genome position (GRCh38, 1-based): chr6:129,154,544, A>G. VCF-style: chr6-129154544-A-G. GRCh37 (hg19) VCF-style: chr6-129475689-A-G.
Other names: c.1067A>G, p.Asp356Gly (NM_001079823.2); short protein forms D356G.
Identifiers: ClinVar variation 4886872 (VCV004886872.1).

ClinVar aggregate classification (germline): Uncertain significance (1 of 4 stars; one submission).

Conditions:
Merosin deficient congenital muscular dystrophy (MDC1A). Also called: Congenital merosin-deficient muscular dystrophy 1A; Congenital Muscular Dystrophy Type 1A (MDC1A). Identifiers: Orphanet 258, MedGen C1263858, MONDO:0011925, OMIM 607855.

Submission:

Genetics Laboratory, Department of Biology, Semnan University
Classification: Uncertain significance for Merosin deficient congenital muscular dystrophy. Last evaluated: 2018-04-27. Review status: criteria provided, single submitter. Criteria: ACMG Guidelines, 2015. Collection method: research. Allele origin: germline. Inheritance: Autosomal recessive inheritance. Affected: yes. Observed: 1 variant allele, 1 homozygote.
Comment: The identified variant leads to the substitution of Aspartic acid 356 with Glycine (D356G) in the LAMA2 protein. Hence, this substitution could alter the amino acid sequence and could leads to a decreased function of mutated protein.

Literature cited by the submitters: DOI 10.29252/ibj.22.6.408.